The following is an entry in ClinVar:

NM_032119.4(ADGRV1):c.944A>T (p.His315Leu)

Gene: ADGRV1 (adhesion G protein-coupled receptor V1; plus strand). Cytogenetic location: 5q14.3.
Variant type: single nucleotide variant.
Coding change: c.944A>T on transcript NM_032119.4 (MANE Select); coding-DNA position 944, A replaced by T.
Protein change: p.His315Leu; replaces histidine 315 with leucine.
Molecular consequence: missense variant. On other transcripts: non-coding transcript variant (1).
Genome position (GRCh38, 1-based): chr5:90,627,482, A>T. VCF-style: chr5-90627482-A-T. GRCh37 (hg19) VCF-style: chr5-89923299-A-T.
Other names: c.944A>T (NM_032119.3); short protein forms H315L.
Identifiers: ClinVar variation 1355631 (VCV001355631.7), dbSNP rs1325877739, ClinGen allele CA360366981.

ClinVar aggregate classification (germline): Uncertain significance. Review status: criteria provided, multiple submitters, no conflicts (2 of 4 stars). 3 submissions from 3 submitters: Uncertain significance (3). Last evaluated 2025-11-20.

Conditions:
Inborn genetic diseases. Identifiers: MedGen C0950123, MeSH D030342.

Allele frequency attached by ClinVar (database versions not stated): TOPMed below 0.00001.
gnomAD v4.1: 6 of 1,613,890 alleles (0.00037%); highest among the groups gnomAD compares: African/African-American, 0.004%; no homozygotes.

Submissions (3):

Ambry Genetics
Classification: Uncertain significance for Inborn genetic diseases. Last evaluated: 2025-11-20. Review status: criteria provided, single submitter. Criteria: Ambry Variant Classification Scheme 2023. Collection method: clinical testing. Allele origin: germline.

Blueprint Genetics
Classification: Uncertain significance. Last evaluated: 2023-07-27. Review status: criteria provided, single submitter. Criteria: ACMG Guidelines, 2015. Collection method: clinical testing. Allele origin: germline.

Labcorp Genetics (formerly Invitae), Labcorp
Classification: Uncertain significance. Last evaluated: 2022-07-06. Review status: criteria provided, single submitter. Criteria: Invitae Variant Classification Sherloc (09022015). Collection method: clinical testing. Allele origin: germline.
Comment: This sequence change replaces histidine, which is basic and polar, with leucine, which is neutral and non-polar, at codon 315 of the ADGRV1 protein (p.His315Leu). This variant is not present in population databases (gnomAD no frequency). This variant has not been reported in the literature in individuals affected with ADGRV1-related conditions. ClinVar contains an entry for this variant (Variation ID: 1355631). Algorithms developed to predict the effect of missense changes on protein structure and function are either unavailable or do not agree on the potential impact of this missense change (SIFT: "Tolerated"; PolyPhen-2: "Possibly Damaging"; Align-GVGD: "Class C0"). In summary, the available evidence is currently insufficient to determine the role of this variant in disease. Therefore, it has been classified as a Variant of Uncertain Significance.